The following is an entry in ClinVar:

NM_001142800.2(EYS):c.1099_1101delinsA (p.Cys367fs)

Gene: EYS (EGF-like photoreceptor maintenance factor; minus strand). Cytogenetic location: 6q12.
Variant type: Indel.
Coding change: c.1099_1101delinsA on transcript NM_001142800.2 (MANE Select); coding-DNA positions 1099 to 1101, TGT replaced by A.
Protein change: p.Cys367fs; shifts the reading frame from cysteine 367.
Molecular consequence: frameshift variant.
Genome position (GRCh38, 1-based): chr6:65,402,561-65,402,563, ACA replaced by T on the plus strand (TGT replaced by A on the coding strand, the reverse complement: EYS is on the minus strand). VCF-style: chr6-65402561-ACA-T. GRCh37 (hg19) VCF-style: chr6-66112454-ACA-T.
Other names: c.1099_1101delinsA, p.Cys367fs (NM_001142801.2, NM_001292009.2, NM_198283.2); short protein forms C367fs.
Identifiers: ClinVar variation 5010487 (VCV005010487.1).

ClinVar aggregate classification (germline): Pathogenic (1 of 4 stars; one submission).

Conditions:
Retinitis pigmentosa 25 (RP25). Identifiers: Orphanet 791, MedGen C1864446, MONDO:0011272, OMIM 602772.

Submission:

Myriad Genetics, Inc.
Classification: Pathogenic for Retinitis pigmentosa 25. Last evaluated: 2024-05-14. Review status: criteria provided, single submitter. Criteria: Myriad Autosomal Dominant, Autosomal Recessive and X-Linked Classification Criteria (2023). Collection method: clinical testing. Allele origin: unknown.
Comment: NM_001142800.1(EYS):c.1099_1101delTGTinsA(C367Kfs*8) is expected to be pathogenic in the context of retinitis pigmentosa, EYS-related. This variant is predicted to lead to an abnormal or absent protein product due to the creation of a premature termination codon in EYS, a gene where loss-of-function variants are known to be pathogenic. Please note: this variant was assessed in the context of healthy population screening.